The following is an entry in ClinVar:

NM_004984.4(KIF5A):c.2992+3G>T

Gene: KIF5A (kinesin family member 5A; plus strand). Cytogenetic location: 12q13.3.
Variant type: single nucleotide variant.
Coding change: c.2992+3G>T on transcript NM_004984.4 (MANE Select); 3 bases into the intron after coding-DNA position 2992, G replaced by T.
Molecular consequence: intron variant.
Genome position (GRCh38, 1-based): chr12:57,581,955, G>T. VCF-style: chr12-57581955-G-T. GRCh37 (hg19) VCF-style: chr12-57975738-G-T.
Other names: c.2725+3G>T (NM_001354705.2).
Identifiers: ClinVar variation 1511311 (VCV001511311.6), dbSNP rs1882618202, ClinGen allele CA948096595.

ClinVar aggregate classification (germline): Uncertain significance (1 of 4 stars; one submission).

Conditions:
Spastic paraplegia. Identifiers: MedGen C0037772, HP:0001258.

Allele frequency attached by ClinVar (database versions not stated): TOPMed below 0.00001; gnomAD 0.00001.

Submission:

Labcorp Genetics (formerly Invitae), Labcorp
Classification: Uncertain significance for Spastic paraplegia. Last evaluated: 2024-02-24. Review status: criteria provided, single submitter. Criteria: Invitae Variant Classification Sherloc (09022015). Collection method: clinical testing. Allele origin: germline.
Comment: This sequence change falls in intron 26 of the KIF5A gene. It does not directly change the encoded amino acid sequence of the KIF5A protein. It affects a nucleotide within the consensus splice site. This variant is not present in population databases (gnomAD no frequency). This variant has not been reported in the literature in individuals affected with KIF5A-related conditions. ClinVar contains an entry for this variant (Variation ID: 1511311). Variants that disrupt the consensus splice site are a relatively common cause of aberrant splicing (PMID: 17576681, 9536098). Algorithms developed to predict the effect of sequence changes on RNA splicing suggest that this variant may disrupt the consensus splice site. In summary, the available evidence is currently insufficient to determine the role of this variant in disease. Therefore, it has been classified as a Variant of Uncertain Significance.

Literature cited by the submitters: PubMed 17576681; PubMed 9536098.